The following is an entry in ClinVar:

NM_172362.3(KCNH1):c.2190del (p.Leu731fs)

Gene: KCNH1 (potassium voltage-gated channel subfamily H member 1; minus strand). Cytogenetic location: 1q32.2.
Variant type: Deletion.
Coding change: c.2190del on transcript NM_172362.3 (MANE Select); coding-DNA position 2190, one base deleted (C; older notation c.2190delC).
Protein change: p.Leu731fs; shifts the reading frame from leucine 731.
Molecular consequence: frameshift variant.
Genome position (GRCh38, 1-based): chr1:210,684,061, G deleted on the plus strand (C on the coding strand, the reverse complement: KCNH1 is on the minus strand). VCF-style (leftmost placement, unchanged base first): chr1-210684060-AG-A. GRCh37 (hg19) VCF-style: chr1-210857402-AG-A.
Other names: c.2109del, p.Leu704fs (NM_002238.4); short protein forms L704fs, L731fs.
Identifiers: ClinVar variation 1414628 (VCV001414628.6), dbSNP rs1681346342, ClinGen allele CA1011851889.

ClinVar aggregate classification (germline): Uncertain significance (1 of 4 stars; one submission).

Allele frequency attached by ClinVar (database versions not stated): gnomAD exomes below 0.00001; TOPMed below 0.00001; gnomAD 0.00001.

Submission:

Labcorp Genetics (formerly Invitae), Labcorp
Classification: Uncertain significance. Last evaluated: 2021-01-20. Review status: criteria provided, single submitter. Criteria: Invitae Variant Classification Sherloc (09022015). Collection method: clinical testing. Allele origin: germline.
Comment: This variant has not been reported in the literature in individuals with KCNH1-related conditions. In summary, the available evidence is currently insufficient to determine the role of this variant in disease. Therefore, it has been classified as a Variant of Uncertain Significance. Experimental studies and prediction algorithms are not available or were not evaluated, and the functional significance of this variant is currently unknown. This variant is not present in population databases (ExAC no frequency). This sequence change creates a premature translational stop signal (p.Leu731Cysfs*34) in the KCNH1 gene. While this is not anticipated to result in nonsense mediated decay, it is expected to disrupt the last 259 amino acid(s) of the KCNH1 protein.